The following is an entry in ClinVar:

ClinVar aggregate classification (germline): Uncertain significance. Review status: criteria provided, multiple submitters, no conflicts (2 of 4 stars). 3 submissions from 3 submitters: Uncertain significance (3). Last evaluated 2026-01-18.

Conditions:
Epidermolysis bullosa simplex, Ogna type (EBS5A). Also called: Pidermolysis bullosa simplex 5A, Ogna type; EPIDERMOLYSIS BULLOSA SIMPLEX 5A, OGNA TYPE. Identifiers: Orphanet 79401, MedGen C0432317, MONDO:0007555, OMIM 131950.
Epidermolysis bullosa simplex 5C, with pyloric atresia (EBS5C). Also called: PLEC-Related Epidermolysis Bullosa with Pyloric Atresia; Epidermolysis bullosa simplex with pyloric atresia; PLEC1-Related Epidermolysis Bullosa with Pyloric Atresia. Identifiers: Orphanet 158684, MedGen C2677349, MONDO:0012807, OMIM 612138.
Autosomal recessive limb-girdle muscular dystrophy type 2Q (LGMDR17). Also called: MUSCULAR DYSTROPHY, LIMB-GIRDLE, AUTOSOMAL RECESSIVE 17. Identifiers: Orphanet 254361, MedGen C3150989, MONDO:0013390, OMIM 613723.
Epidermolysis bullosa simplex 5B, with muscular dystrophy (EBS5B). Also called: EPIDERMOLYSIS BULLOSA SIMPLEX AND LIMB-GIRDLE MUSCULAR DYSTROPHY; Epidermolysis bullosa simplex with muscular dystrophy. Identifiers: Orphanet 257, MedGen C2931072, MONDO:0009181, OMIM 226670.
Epidermolysis bullosa simplex with nail dystrophy (EBS5D). Identifiers: MedGen C4225309, MONDO:0014661, OMIM 616487.

Allele frequency attached by ClinVar (database versions not stated): TOPMed 0.00001; gnomAD exomes 0.00002; gnomAD 0.00003.
gnomAD v4.1: 31 of 1,598,020 alleles (0.0019%); highest among the groups gnomAD compares: East Asian, 0.0022%; no homozygotes.

Submissions (3):

Labcorp Genetics (formerly Invitae), Labcorp
Classification: Uncertain significance for Autosomal recessive limb-girdle muscular dystrophy type 2Q; Epidermolysis bullosa simplex, Ogna type; Epidermolysis bullosa simplex with nail dystrophy; Epidermolysis bullosa simplex 5C, with pyloric atresia; Epidermolysis bullosa simplex 5B, with muscular dystrophy. Last evaluated: 2026-01-18. Review status: criteria provided, single submitter. Criteria: Invitae Variant Classification Sherloc (09022015). Collection method: clinical testing. Allele origin: germline.
Comment: This sequence change replaces arginine, which is basic and polar, with cysteine, which is neutral and slightly polar, at codon 1977 of the PLEC protein (p.Arg1977Cys). This variant is present in population databases (rs566539439, gnomAD 0.006%). This variant has not been reported in the literature in individuals affected with PLEC-related conditions. ClinVar contains an entry for this variant (Variation ID: 290353). Experimental studies and prediction algorithms are not available or were not evaluated, and the functional significance of this variant is currently unknown. In summary, the available evidence is currently insufficient to determine the role of this variant in disease. Therefore, it has been classified as a Variant of Uncertain Significance.

Revvity Omics, Revvity
Classification: Uncertain significance. Last evaluated: 2023-05-31. Review status: criteria provided, single submitter. Criteria: ACMG Guidelines, 2015. Collection method: clinical testing. Allele origin: germline.

Eurofins Ntd Llc (ga)
Classification: Uncertain significance. Last evaluated: 2016-08-23. Review status: criteria provided, single submitter. Criteria: EGL Classification Definitions 2015. Collection method: clinical testing. Allele origin: germline. Observed: 1 variant allele, 1 heterozygote.

NM_201384.3(PLEC):c.5848C>T (p.Arg1950Cys)

Gene: PLEC (plectin; minus strand). Cytogenetic location: 8q24.3.
Variant type: single nucleotide variant.
Coding change: c.5848C>T on transcript NM_201384.3 (MANE Select); coding-DNA position 5848, C replaced by T.
Protein change: p.Arg1950Cys; replaces arginine 1950 with cysteine.
Molecular consequence: missense variant.
Genome position (GRCh38, 1-based): chr8:143,924,081, G>A on the plus strand (C>T on the coding strand, the complement: PLEC is on the minus strand). VCF-style: chr8-143924081-G-A. GRCh37 (hg19) VCF-style: chr8-144998249-G-A.
Other names: c.5929C>T, p.Arg1977Cys (NM_000445.5); c.5806C>T, p.Arg1936Cys (NM_201378.4); c.5782C>T, p.Arg1928Cys (NM_201379.3); c.6259C>T, p.Arg2087Cys (NM_201380.4); c.5752C>T, p.Arg1918Cys (NM_201381.3); c.5848C>T, p.Arg1950Cys (NM_201382.4); c.5860C>T, p.Arg1954Cys (NM_201383.3); short protein forms R1928C, R1977C, R1918C, R1936C, R1950C, R1954C, R2087C.
Identifiers: ClinVar variation 290353 (VCV000290353.13), dbSNP rs566539439, ClinGen allele CA4926218.